The following is an entry in ClinVar:

NM_001077365.2(POMT1):c.205G>A (p.Gly69Ser)

Gene: POMT1 (protein O-mannosyltransferase 1; plus strand). Cytogenetic location: 9q34.13.
Variant type: single nucleotide variant.
Coding change: c.205G>A on transcript NM_001077365.2 (MANE Select); coding-DNA position 205, G replaced by A.
Protein change: p.Gly69Ser; replaces glycine 69 with serine.
Molecular consequence: missense variant. On other transcripts: non-coding transcript variant (7), intron variant (8).
Genome position (GRCh38, 1-based): chr9:131,506,196, G>A. VCF-style: chr9-131506196-G-A. GRCh37 (hg19) VCF-style: chr9-134381583-G-A.
Other names: c.43G>A, p.Gly15Ser (NM_001077366.2, NM_001353194.2, NM_001353197.2 and 3 more transcripts); c.205G>A, p.Gly69Ser (NM_001136113.2, NM_001353193.2, NM_001374690.1 and 1 more transcripts); c.-71-1172G>A (NM_001374691.1, NM_001374692.1); c.123-207G>A (NM_001353196.2); c.-122-207G>A (NM_001353195.2, NM_001353199.2, NM_001136114.2); c.-30+1856G>A (NM_001374695.1); c.-80-207G>A (NM_001353200.2); short protein forms G15S, G69S.
Identifiers: ClinVar variation 998595 (VCV000998595.9), dbSNP rs1945776583, ClinGen allele CA375305718.

ClinVar aggregate classification (germline): Uncertain significance (1 of 4 stars; one submission).

Conditions:
Autosomal recessive limb-girdle muscular dystrophy type 2K. Also called: MUSCULAR DYSTROPHY-DYSTROGLYCANOPATHY (LIMB-GIRDLE), TYPE C, 1; MUSCULAR DYSTROPHY, LIMB-GIRDLE, TYPE 2K. Identifiers: Orphanet 86812, MedGen C1836373, MONDO:0012248, OMIM 609308.
Walker-Warburg congenital muscular dystrophy. Also called: Muscular dystrophy-dystroglycanopathy, type A; Walker-Warburg syndrome. Identifiers: Orphanet 899, MedGen C0265221, MONDO:0000171.
Muscular dystrophy-dystroglycanopathy (congenital with impaired intellectual development), type B, 1. Also called: Muscular dystrophy-dystroglycanopathy (congenital with intellectual disability), type B1; MUSCULAR DYSTROPHY, CONGENITAL, POMT1-RELATED. Identifiers: MedGen C5436962, MONDO:0013159, OMIM 613155.

Submission:

Labcorp Genetics (formerly Invitae), Labcorp
Classification: Uncertain significance for Muscular dystrophy-dystroglycanopathy (congenital with impaired intellectual development), type B, 1; Walker-Warburg congenital muscular dystrophy; Autosomal recessive limb-girdle muscular dystrophy type 2K. Last evaluated: 2022-09-07. Review status: criteria provided, single submitter. Criteria: Invitae Variant Classification Sherloc (09022015). Collection method: clinical testing. Allele origin: germline.
Comment: This variant is not present in population databases (gnomAD no frequency). In summary, the available evidence is currently insufficient to determine the role of this variant in disease. Therefore, it has been classified as a Variant of Uncertain Significance. Algorithms developed to predict the effect of missense changes on protein structure and function (SIFT, PolyPhen-2, Align-GVGD) all suggest that this variant is likely to be disruptive. ClinVar contains an entry for this variant (Variation ID: 998595). This variant has not been reported in the literature in individuals affected with POMT1-related conditions. This sequence change replaces glycine, which is neutral and non-polar, with serine, which is neutral and polar, at codon 69 of the POMT1 protein (p.Gly69Ser).